The following is an entry in ClinVar:

ClinVar aggregate classification (germline): Uncertain significance. Review status: criteria provided, multiple submitters, no conflicts (2 of 4 stars). 2 submissions from 2 submitters: Uncertain significance (2). Last evaluated 2025-03-25.

Conditions:
Cardiovascular phenotype. Identifiers: MedGen CN230736.
Brugada syndrome. Also called: Sudden unexpected nocturnal death syndrome; Sudden unexplained nocturnal death syndrome; Sudden Unexplained Death Syndrome; Sudden Unexplained Nocturnal Death Syndrome (SUNDS). Identifiers: Orphanet 130, MedGen C1142166, MONDO:0015263.

Allele frequency attached by ClinVar (database versions not stated): TOPMed below 0.00001.
gnomAD v4.1: 1 of 1,607,938 alleles (0.000062%); highest among the groups gnomAD compares: Admixed American, 0.0017%; no homozygotes.

Submissions (2):

Labcorp Genetics (formerly Invitae), Labcorp
Classification: Uncertain significance for Brugada syndrome. Last evaluated: 2025-03-25. Review status: criteria provided, single submitter. Criteria: Invitae Variant Classification Sherloc (09022015). Collection method: clinical testing. Allele origin: germline.
Comment: This sequence change replaces threonine, which is neutral and polar, with isoleucine, which is neutral and non-polar, at codon 12 of the CACNA2D1 protein (p.Thr12Ile). The frequency data for this variant in the population databases is considered unreliable, as metrics indicate poor data quality at this position in the gnomAD database. This variant has not been reported in the literature in individuals affected with CACNA2D1-related conditions. ClinVar contains an entry for this variant (Variation ID: 2565394). An algorithm developed to predict the effect of missense changes on protein structure and function (PolyPhen-2) suggests that this variant is likely to be disruptive. In summary, the available evidence is currently insufficient to determine the role of this variant in disease. Therefore, it has been classified as a Variant of Uncertain Significance.

Ambry Genetics
Classification: Uncertain significance for Cardiovascular phenotype. Last evaluated: 2023-06-03. Review status: criteria provided, single submitter. Criteria: Ambry Variant Classification Scheme 2023. Collection method: clinical testing. Allele origin: germline.
Comment: The p.T12I variant (also known as c.35C>T), located in coding exon 1 of the CACNA2D1 gene, results from a C to T substitution at nucleotide position 35. The threonine at codon 12 is replaced by isoleucine, an amino acid with similar properties. This amino acid position is conserved. In addition, this alteration is predicted to be tolerated by in silico analysis. Since supporting evidence is limited at this time, the clinical significance of this alteration remains unclear.

NM_000722.4(CACNA2D1):c.35C>T (p.Thr12Ile)

Gene: CACNA2D1 (calcium voltage-gated channel auxiliary subunit alpha2delta 1; minus strand). Cytogenetic location: 7q21.11.
Variant type: single nucleotide variant.
Coding change: c.35C>T on transcript NM_000722.4 (MANE Select); coding-DNA position 35, C replaced by T.
Protein change: p.Thr12Ile; replaces threonine 12 with isoleucine.
Molecular consequence: missense variant.
Genome position (GRCh38, 1-based): chr7:82,443,425, G>A on the plus strand (C>T on the coding strand, the complement: CACNA2D1 is on the minus strand). VCF-style: chr7-82443425-G-A. GRCh37 (hg19) VCF-style: chr7-82072741-G-A.
Other names: c.35C>T, p.Thr12Ile (NM_001302890.2, NM_001366867.1); short protein forms T12I.
Identifiers: ClinVar variation 2565394 (VCV002565394.3), dbSNP rs1325331073, ClinGen allele CA368017648.
Genomic context (GRCh38, chr7:82,443,425, plus strand): 5'-GTGACGGCCGAAGGGAACGGCTCCTCCGACGAGGGGCCGATGAGCAAAGATTGGAAAAGT[G>A]TCAGAGTCAAGGCCAGCAGGCAGCCAGCAGCCATCTTCGCGATCGAAGATCAATGCCCCC-3'
Protein context (NP_000713.2, residues 2-22): AAGCLLALTL[Thr12Ile]LFQSLLIGPS